The following is an entry in ClinVar:

NM_007215.4(POLG2):c.224G>C (p.Arg75Thr)

Genes: POLG2 (DNA polymerase gamma 2, accessory subunit; minus strand), MILR1 (mast cell immunoglobulin like receptor 1; plus strand). Cytogenetic location: 17q23.3.
Variant type: single nucleotide variant.
Coding change: c.224G>C on transcript NM_007215.4 (MANE Select); coding-DNA position 224, G replaced by C.
Protein change: p.Arg75Thr; replaces arginine 75 with threonine.
Molecular consequence: missense variant.
Genome position (GRCh38, 1-based): chr17:64,496,745, C>G on the plus strand (G>C on the coding strand, the complement: POLG2 is on the minus strand). VCF-style: chr17-64496745-C-G. GRCh37 (hg19) VCF-style: chr17-62492863-C-G.
Other names: short protein forms R75T.
Identifiers: ClinVar variation 4810737 (VCV004810737.1).

ClinVar aggregate classification (germline): Uncertain significance (1 of 4 stars; one submission).

gnomAD v4.1: 1 of 1,614,102 alleles (0.000062%); highest among the groups gnomAD compares: Non-Finnish European, 0.000085%; no homozygotes.

Submission:

Labcorp Genetics (formerly Invitae), Labcorp
Classification: Uncertain significance. Last evaluated: 2025-08-18. Review status: criteria provided, single submitter. Criteria: Invitae Variant Classification Sherloc (09022015). Collection method: clinical testing. Allele origin: germline.
Comment: This sequence change replaces arginine, which is basic and polar, with threonine, which is neutral and polar, at codon 75 of the POLG2 protein (p.Arg75Thr). This variant is present in population databases (rs781820330, gnomAD 0.0009%). This variant has not been reported in the literature in individuals affected with POLG2-related conditions. An algorithm developed to predict the effect of missense changes on protein structure and function (PolyPhen-2) suggests that this variant is likely to be tolerated. In summary, the available evidence is currently insufficient to determine the role of this variant in disease. Therefore, it has been classified as a Variant of Uncertain Significance.